The following is an entry in ClinVar:

NM_031220.4(PITPNM3):c.1016C>T (p.Pro339Leu)

Gene: PITPNM3 (PITPNM family member 3; minus strand). Cytogenetic location: 17p13.2.
Variant type: single nucleotide variant.
Coding change: c.1016C>T on transcript NM_031220.4 (MANE Select); coding-DNA position 1016, C replaced by T.
Protein change: p.Pro339Leu; replaces proline 339 with leucine.
Molecular consequence: missense variant.
Genome position (GRCh38, 1-based): chr17:6,477,098, G>A on the plus strand (C>T on the coding strand, the complement: PITPNM3 is on the minus strand). VCF-style: chr17-6477098-G-A. GRCh37 (hg19) VCF-style: chr17-6380418-G-A.
Other names: c.908C>T, p.Pro303Leu (NM_001165966.2); c.1016C>T (NM_031220.3); short protein forms P339L, P303L.
Identifiers: ClinVar variation 1366477 (VCV001366477.7), dbSNP rs112645411, ClinGen allele CA8329649.

ClinVar aggregate classification (germline): Uncertain significance. Review status: criteria provided, multiple submitters, no conflicts (2 of 4 stars). 2 submissions from 2 submitters: Uncertain significance (2). Last evaluated 2024-10-26.

Allele frequency attached by ClinVar (database versions not stated): 1000 Genomes Project 30x 0.00047; 1000 Genomes Project 0.00060.
gnomAD v4.1: 36 of 1,614,160 alleles (0.0022%); highest among the groups gnomAD compares: African/African-American, 0.032%; no homozygotes.

Submissions (2):

Labcorp Genetics (formerly Invitae), Labcorp
Classification: Uncertain significance. Last evaluated: 2024-10-26. Review status: criteria provided, single submitter. Criteria: Invitae Variant Classification Sherloc (09022015). Collection method: clinical testing. Allele origin: germline.
Comment: This sequence change replaces proline, which is neutral and non-polar, with leucine, which is neutral and non-polar, at codon 339 of the PITPNM3 protein (p.Pro339Leu). This variant is present in population databases (rs112645411, gnomAD 0.02%). This variant has not been reported in the literature in individuals affected with PITPNM3-related conditions. ClinVar contains an entry for this variant (Variation ID: 1366477). Invitae Evidence Modeling of protein sequence and biophysical properties (such as structural, functional, and spatial information, amino acid conservation, physicochemical variation, residue mobility, and thermodynamic stability) indicates that this missense variant is not expected to disrupt PITPNM3 protein function with a negative predictive value of 80%. In summary, the available evidence is currently insufficient to determine the role of this variant in disease. Therefore, it has been classified as a Variant of Uncertain Significance.

Ambry Genetics
Classification: Uncertain significance. Last evaluated: 2021-08-12. Review status: criteria provided, single submitter. Criteria: Ambry Variant Classification Scheme 2023. Collection method: clinical testing. Allele origin: germline.